The following is an entry in ClinVar:

ClinVar aggregate classification (germline): Uncertain significance (1 of 4 stars; one submission).

Conditions:
Osteogenesis imperfecta with normal sclerae, dominant form (OI4). Also called: OSTEOGENESIS IMPERFECTA WITH NORMAL SCLERAE; Osteogenesis imperfecta type 4; OSTEOGENESIS IMPERFECTA, TYPE IV, WITH DENTINOGENESIS IMPERFECTA; Osteogenesis Imperfecta Type IV; Common Variable Osteogenesis Imperfecta with Normal Sclerae. Identifiers: Orphanet 216820, Orphanet 666, MedGen C0268363, MONDO:0008148, OMIM 166220.
Infantile cortical hyperostosis. Also called: Hyperostosis, Cortical, Congenital; Caffey Disease; P1PK BLOOD GROUP SYSTEM, P(2) PHENOTYPE. Identifiers: Orphanet 1310, MedGen C0020497, MONDO:0007244, OMIM 114000.
Ehlers-Danlos syndrome, arthrochalasia type. Also called: Ehlers-Danlos syndrome, arthrochalasia type, 1; ARTHROCHALASIS MULTIPLEX CONGENITA; EDS VII, MUTANT PROCOLLAGEN TYPE; EDS VIIA; Ehlers-Danlos syndrome, arthrochalasis type. Identifiers: Orphanet 1899, Orphanet 99875, Orphanet 99876, MedGen C4551623, MONDO:0007525, OMIM 130060.
Osteogenesis imperfecta type I (OI1). Also called: OI, TYPE I; OSTEOGENESIS IMPERFECTA TARDA; OSTEOGENESIS IMPERFECTA WITH BLUE SCLERAE; Osteogenesis imperfecta type 1; Lobstein disease; Lobstein's Disease. Identifiers: Orphanet 216796, Orphanet 666, MedGen C0023931, MONDO:0008146, OMIM 166200. Disease mechanism: loss of function.
Osteogenesis imperfecta, perinatal lethal (OI2). Also called: OI, TYPE II; OSTEOGENESIS IMPERFECTA CONGENITA; VROLIK TYPE OF OSTEOGENESIS IMPERFECTA; Osteogenesis imperfecta, dominant perinatal lethal; OSTEOGENESIS IMPERFECTA, TYPE II; Osteogenesis imperfecta type 2. Identifiers: Orphanet 216804, MedGen C0268358, MONDO:0008147, OMIM 166210.
Osteogenesis imperfecta type III (OI3). Also called: Osteogenesis imperfecta type 3; OI type 3; Osteogenesis imperfecta, progressively deforming with normal sclerae; OI type III; Progressively Deforming Osteogenesis Imperfecta. Identifiers: Orphanet 216812, Orphanet 666, MedGen C0268362, MONDO:0009804, OMIM 259420.
Combined osteogenesis imperfecta and Ehlers-Danlos syndrome 1. Also called: OIEDS SYNDROME 1. Identifiers: MedGen C5436842, MONDO:0030854, OMIM 619115.
Osteoporosis. Identifiers: MedGen C0029456, MONDO:0005298, OMIM 166710, HP:0000939.

Submission:

Juno Genomics, Hangzhou Juno Genomics, Inc
Classification: Uncertain significance for Osteoporosis; Infantile cortical hyperostosis; Combined osteogenesis imperfecta and Ehlers-Danlos syndrome 1; Ehlers-Danlos syndrome, arthrochalasia type; Osteogenesis imperfecta type I; Osteogenesis imperfecta, perinatal lethal; Osteogenesis imperfecta type III; Osteogenesis imperfecta with normal sclerae, dominant form. Review status: criteria provided, single submitter. Criteria: ACMG Guidelines, 2015. Collection method: clinical testing. Allele origin: germline.
Comment: Absent from controls (or at extremely low frequency if recessive) in Genome Aggregation Database.;Multiple lines of computational evidence support a deleterious effect on the gene or gene product.;Missense variant in a gene that has a low rate of benign missense variation.

NM_000088.4(COL1A1):c.3812G>C (p.Ser1271Thr)

Gene: COL1A1 (collagen type I alpha 1 chain; minus strand). Cytogenetic location: 17q21.33.
Variant type: single nucleotide variant.
Coding change: c.3812G>C on transcript NM_000088.4 (MANE Select); coding-DNA position 3812, G replaced by C.
Protein change: p.Ser1271Thr; replaces serine 1271 with threonine.
Molecular consequence: missense variant.
Genome position (GRCh38, 1-based): chr17:50,186,642, C>G on the plus strand (G>C on the coding strand, the complement: COL1A1 is on the minus strand). VCF-style: chr17-50186642-C-G. GRCh37 (hg19) VCF-style: chr17-48264003-C-G.
Other names: short protein forms S1271T.
Identifiers: ClinVar variation 5019663 (VCV005019663.2).